The following is an entry in ClinVar:

NM_020822.3(KCNT1):c.2008G>C (p.Gly670Arg)

Gene: KCNT1 (potassium sodium-activated channel subfamily T member 1; plus strand). Cytogenetic location: 9q34.3.
Variant type: single nucleotide variant.
Coding change: c.2008G>C on transcript NM_020822.3 (MANE Select); coding-DNA position 2008, G replaced by C.
Protein change: p.Gly670Arg; replaces glycine 670 with arginine.
Molecular consequence: missense variant.
Genome position (GRCh38, 1-based): chr9:135,771,095, G>C. VCF-style: chr9-135771095-G-C. GRCh37 (hg19) VCF-style: chr9-138662941-G-C.
Other names: c.1873G>C, p.Gly625Arg (NM_001272003.2); short protein forms G625R, G670R.
Identifiers: ClinVar variation 4071685 (VCV004071685.1).

ClinVar aggregate classification (germline): Uncertain significance (1 of 4 stars; one submission).

Submission:

GeneDx
Classification: Uncertain significance. Last evaluated: 2025-01-24. Review status: criteria provided, single submitter. Criteria: GeneDx Variant Classification Process June 2021. Collection method: clinical testing. Allele origin: germline. Affected: yes.
Comment: Not observed at significant frequency in large population cohorts (gnomAD); In silico analysis supports that this missense variant has a deleterious effect on protein structure/function; In silico analysis supports a deleterious effect on splicing; Has not been previously published as pathogenic or benign to our knowledge